The following is an entry in ClinVar:

NM_001384732.1(CPLANE1):c.9093A>G (p.Ser3031=)

Gene: CPLANE1 (ciliogenesis and planar polarity effector complex subunit 1; minus strand). Cytogenetic location: 5p13.2.
Variant type: single nucleotide variant.
Coding change: c.9093A>G on transcript NM_001384732.1 (MANE Select); coding-DNA position 9093, A replaced by G.
Protein change: p.Ser3031=; no amino-acid change (serine 3031 retained).
Molecular consequence: synonymous variant.
Genome position (GRCh38, 1-based): chr5:37,121,709, T>C on the plus strand (A>G on the coding strand, the complement: CPLANE1 is on the minus strand). VCF-style: chr5-37121709-T-C. GRCh37 (hg19) VCF-style: chr5-37121811-T-C.
Other names: c.8931A>G, p.Ser2977= (NM_023073.4).
Identifiers: ClinVar variation 353417 (VCV000353417.42), dbSNP rs141014620, ClinGen allele CA3237567.

ClinVar aggregate classification (germline): Conflicting classifications of pathogenicity. Review status: criteria provided, conflicting classifications (1 of 4 stars). 5 submissions from 5 submitters: Uncertain significance (1); Benign (1); Likely benign (3). Last evaluated 2026-03-01.

Conditions:
Joubert syndrome 17 (JBTS17). Identifiers: Orphanet 475, MedGen C3553264, MONDO:0013824, OMIM 614615.

Allele frequency attached by ClinVar (database versions not stated): 1000 Genomes Project 0.00080; 1000 Genomes Project 30x 0.00125; ESP Exome Variant Server 0.00131; ExAC 0.00139; TOPMed 0.00156; gnomAD exomes 0.00169 and 0.00218; gnomAD 0.00178 and 0.00190.
gnomAD v4.1: 3,482 of 1,613,680 alleles (0.22%); highest among the groups gnomAD compares: Non-Finnish European, 0.25%; 9 homozygotes.

Submissions (5):

CeGaT Center for Human Genetics Tuebingen
Classification: Likely benign. Last evaluated: 2026-03-01. Review status: criteria provided, single submitter. Criteria: CeGaT Center For Human Genetics Tuebingen Variant Classification Criteria Version 2. Collection method: clinical testing. Allele origin: germline. Affected: yes. Observed: 12 variant alleles.
Comment: CPLANE1: BP4, BP7

Labcorp Genetics (formerly Invitae), Labcorp
Classification: Benign. Last evaluated: 2026-01-28. Review status: criteria provided, single submitter. Criteria: Invitae Variant Classification Sherloc (09022015). Collection method: clinical testing. Allele origin: germline.

Blueprint Genetics
Classification: Likely benign. Last evaluated: 2024-11-19. Review status: criteria provided, single submitter. Criteria: ACMG Guidelines, 2015. Collection method: clinical testing. Allele origin: germline.

GeneDx
Classification: Likely benign. Last evaluated: 2021-08-11. Review status: criteria provided, single submitter. Criteria: GeneDx Variant Classification Process June 2021. Collection method: clinical testing. Allele origin: germline. Affected: yes.

Illumina Laboratory Services, Illumina
Classification: Uncertain significance for Joubert syndrome 17. Last evaluated: 2018-01-12. Review status: criteria provided, single submitter. Criteria: ICSL Variant Classification Criteria 13 December 2019. Collection method: clinical testing. Allele origin: germline.